The following is an entry in ClinVar:

ClinVar aggregate classification (germline): Uncertain significance (1 of 4 stars; one submission).

Conditions:
Hereditary cancer-predisposing syndrome. Also called: Neoplastic Syndromes, Hereditary; Tumor predisposition; Hereditary Cancer Syndrome; Hereditary neoplastic syndrome. Identifiers: Orphanet 140162, MedGen C0027672, MeSH D009386, MONDO:0015356.

Submission:

Ambry Genetics
Classification: Uncertain significance for Hereditary cancer-predisposing syndrome. Last evaluated: 2025-09-26. Review status: criteria provided, single submitter. Criteria: Ambry Variant Classification Scheme 2023. Collection method: clinical testing. Allele origin: germline.
Comment: The p.I326S variant (also known as c.977T>G), located in coding exon 7 of the CDH1 gene, results from a T to G substitution at nucleotide position 977. The isoleucine at codon 326 is replaced by serine, an amino acid with dissimilar properties. This amino acid position is conserved. In addition, this alteration is predicted to be deleterious by in silico analysis. Based on the available evidence, the clinical significance of this variant remains unclear.

NM_004360.5(CDH1):c.977T>G (p.Ile326Ser)

Gene: CDH1 (cadherin 1; plus strand). Cytogenetic location: 16q22.1.
Variant type: single nucleotide variant.
Coding change: c.977T>G on transcript NM_004360.5 (MANE Select); coding-DNA position 977, T replaced by G.
Protein change: p.Ile326Ser; replaces isoleucine 326 with serine.
Molecular consequence: missense variant. On other transcripts: 5 prime UTR variant (2).
Genome position (GRCh38, 1-based): chr16:68,811,828, T>G. VCF-style: chr16-68811828-T-G. GRCh37 (hg19) VCF-style: chr16-68845731-T-G.
Other names: c.977T>G, p.Ile326Ser (NM_001317184.2); c.-639T>G (NM_001317185.2); c.-843T>G (NM_001317186.2); short protein forms I326S.
Identifiers: ClinVar variation 4632454 (VCV004632454.1).